The following is an entry in ClinVar:

ClinVar aggregate classification (germline): Uncertain significance (1 of 4 stars; one submission).

Submission:

Ambry Genetics
Classification: Uncertain significance. Last evaluated: 2024-05-18. Review status: criteria provided, single submitter. Criteria: Ambry Variant Classification Scheme 2023. Collection method: clinical testing. Allele origin: germline.
Comment: The p.K592R variant (also known as c.1775A>G), located in coding exon 13 of the RECQL gene, results from an A to G substitution at nucleotide position 1775. The lysine at codon 592 is replaced by arginine, an amino acid with highly similar properties. This amino acid position is conserved. In addition, this alteration is predicted to be tolerated by in silico analysis. Based on the available evidence, the clinical significance of this variant remains unclear.

NM_002907.4(RECQL):c.1775A>G (p.Lys592Arg)

Genes: PYROXD1 (pyridine nucleotide-disulphide oxidoreductase domain 1; plus strand), RECQL (RecQ like helicase; minus strand). Cytogenetic location: 12p12.1.
Variant type: single nucleotide variant.
Coding change: c.1775A>G on transcript NM_002907.4 (MANE Select); coding-DNA position 1775, A replaced by G.
Protein change: p.Lys592Arg; replaces lysine 592 with arginine.
Molecular consequence: missense variant. On other transcripts: 3 prime UTR variant (3).
Genome position (GRCh38, 1-based): chr12:21,470,991, T>C on the plus strand (A>G on the coding strand, the complement: RECQL is on the minus strand). VCF-style: chr12-21470991-T-C. GRCh37 (hg19) VCF-style: chr12-21623925-T-C.
Other names: c.1775A>G, p.Lys592Arg (NM_032941.3); c.*2237T>C (NM_001350912.2, NM_001350913.2, NM_024854.5); short protein forms K592R.
Identifiers: ClinVar variation 3313522 (VCV003313522.1).